The following is an entry in ClinVar:

ClinVar aggregate classification (germline): Uncertain significance (1 of 4 stars; one submission).

Submission:

Labcorp Genetics (formerly Invitae), Labcorp
Classification: Uncertain significance. Last evaluated: 2022-08-16. Review status: criteria provided, single submitter. Criteria: Invitae Variant Classification Sherloc (09022015). Collection method: clinical testing. Allele origin: germline.
Comment: This sequence change replaces tyrosine, which is neutral and polar, with aspartic acid, which is acidic and polar, at codon 3040 of the ASPM protein (p.Tyr3040Asp). This variant is not present in population databases (gnomAD no frequency). This variant has not been reported in the literature in individuals affected with ASPM-related conditions. ClinVar contains an entry for this variant (Variation ID: 1461980). Algorithms developed to predict the effect of missense changes on protein structure and function are either unavailable or do not agree on the potential impact of this missense change (SIFT: "Tolerated"; PolyPhen-2: "Probably Damaging"; Align-GVGD: "Class C0"). In summary, the available evidence is currently insufficient to determine the role of this variant in disease. Therefore, it has been classified as a Variant of Uncertain Significance.

NM_018136.5(ASPM):c.9118T>G (p.Tyr3040Asp)

Gene: ASPM (assembly factor for spindle microtubules; minus strand). Cytogenetic location: 1q31.3.
Variant type: single nucleotide variant.
Coding change: c.9118T>G on transcript NM_018136.5 (MANE Select); coding-DNA position 9118, T replaced by G.
Protein change: p.Tyr3040Asp; replaces tyrosine 3040 with aspartic acid.
Molecular consequence: missense variant.
Genome position (GRCh38, 1-based): chr1:197,093,228, A>C on the plus strand (T>G on the coding strand, the complement: ASPM is on the minus strand). VCF-style: chr1-197093228-A-C. GRCh37 (hg19) VCF-style: chr1-197062358-A-C.
Other names: c.4363T>G, p.Tyr1455Asp (NM_001206846.2); short protein forms Y1455D, Y3040D.
Identifiers: ClinVar variation 1461980 (VCV001461980.6), dbSNP rs2125089562, ClinGen allele CA344007682.